The following is an entry in ClinVar:

ClinVar aggregate classification (germline): Likely pathogenic. Review status: criteria provided, multiple submitters, no conflicts (2 of 4 stars). 2 submissions from 2 submitters: Likely pathogenic (2). Last evaluated 2025-07-18.

Conditions:
Thrombophilia, X-linked, due to factor 8 defect. Also called: THROMBOPHILIA, X-LINKED, DUE TO FACTOR VIII DEFECT; Thrombophilia 13, X-linked, due to factor VIII defect. Identifiers: MedGen C5676879, MONDO:0859082, OMIM 301071.
Hereditary factor VIII deficiency disease (HEMA). Also called: HEMOPHILIA, CLASSIC; AUTOSOMAL HEMOPHILIA A; Hemophilia A; Hemophilia A, congenital; HEM A; Factor 8 deficiency, congenital. Identifiers: Orphanet 98878, MedGen C0019069, MONDO:0010602, OMIM 306700.

Submissions (2):

Myriad Genetics, Inc.
Classification: Likely pathogenic for Hereditary factor VIII deficiency disease. Last evaluated: 2025-07-18. Review status: criteria provided, single submitter. Criteria: Myriad Autosomal Dominant, Autosomal Recessive and X-Linked Classification Criteria (2023). Collection method: clinical testing. Allele origin: unknown.
Comment: NM_000132.3(F8):c.5096A>G(Y1699C) is a missense variant classified as likely pathogenic in the context of hemophilia A. Y1699C has been observed in cases with relevant disease (PMID: 10609755, 27629384, 18691168, Lewandowski_2021_(Article)). Relevant functional assessments of this variant are available in the literature (PMID: 38325597). Internal structural analysis of the variant is supportive of pathogenicity. Y1699C has not been observed in referenced population frequency databases. In summary, NM_000132.3(F8):c.5096A>G(Y1699C) is a missense variant that has internal structural support for pathogenicity and has been observed more frequently in cases with the relevant disease than in healthy populations. Please note: this variant was assessed in the context of healthy population screening.

Juno Genomics, Hangzhou Juno Genomics, Inc
Classification: Likely pathogenic for Hereditary factor VIII deficiency disease; Thrombophilia, X-linked, due to factor 8 defect. Review status: criteria provided, single submitter. Criteria: ACMG Guidelines, 2015. Collection method: clinical testing. Allele origin: germline. Affected: yes.
Comment: Absent from controls (or at extremely low frequency if recessive) in Genome Aggregation Database, Exome Sequencing Project, 1000 Genomes Project, or Exome Aggregation Consortium.;Multiple lines of computational evidence support a deleterious effect on the gene or gene product (conservation, evolutionary, splicing impact, etc).;Novel missense change at an amino acid residue where a different missense change determined to be pathogenic has been seen before.;The prevalence of the variant in affected individuals is significantly increased compared to the prevalence in controls.;Patient's phenotype or family history is highly specific for a disease with a single genetic etiology.

Literature cited by the submitters: PubMed 38325597 (cited by Myriad Genetics, Inc.).

NM_000132.4(F8):c.5096A>G (p.Tyr1699Cys)

Gene: F8 (coagulation factor VIII; minus strand). Cytogenetic location: Xq28.
Variant type: single nucleotide variant.
Coding change: c.5096A>G on transcript NM_000132.4 (MANE Select); coding-DNA position 5096, A replaced by G.
Protein change: p.Tyr1699Cys; replaces tyrosine 1699 with cysteine.
Molecular consequence: missense variant.
Genome position (GRCh38, 1-based): chrX:154,928,694, T>C on the plus strand (A>G on the coding strand, the complement: F8 is on the minus strand). VCF-style: chrX-154928694-T-C. GRCh37 (hg19) VCF-style: chrX-154156969-T-C.
Other names: short protein forms Y1699C.
Identifiers: ClinVar variation 3382618 (VCV003382618.3).